The following is an entry in ClinVar:

ClinVar aggregate classification (germline): Pathogenic (1 of 4 stars; one submission).

Submission:

Labcorp Genetics (formerly Invitae), Labcorp
Classification: Pathogenic. Last evaluated: 2024-11-22. Review status: criteria provided, single submitter. Criteria: Invitae Variant Classification Sherloc (09022015). Collection method: clinical testing. Allele origin: germline.
Comment: This sequence change creates a premature translational stop signal (p.His512Argfs*38) in the TWNK gene. It is expected to result in an absent or disrupted protein product. Loss-of-function variants in TWNK are known to be pathogenic (PMID: 21681116, 27551684, 31455392). This variant is present in population databases (no rsID available, gnomAD 0.007%). This variant has not been reported in the literature in individuals affected with TWNK-related conditions. For these reasons, this variant has been classified as Pathogenic.

Literature cited by the submitters: PubMed 21681116; PubMed 27551684; PubMed 31455392.

NM_021830.5(TWNK):c.1535_1536del (p.His512fs)

Gene: TWNK (twinkle mtDNA helicase; plus strand). Cytogenetic location: 10q24.31.
Variant type: Deletion.
Coding change: c.1535_1536del on transcript NM_021830.5 (MANE Select); coding-DNA positions 1535 to 1536, 2 bases deleted (AT; older notation c.1535_1536delAT).
Protein change: p.His512fs; shifts the reading frame from histidine 512.
Molecular consequence: frameshift variant. On other transcripts: non-coding transcript variant (5).
Genome position (GRCh38, 1-based): chr10:100,990,486-100,990,487, AT deleted. VCF-style (leftmost placement, unchanged base first): chr10-100990485-CAT-C. GRCh37 (hg19) VCF-style: chr10-102750242-CAT-C.
Other names: c.1535_1536del, p.His512fs (NM_001163812.2); c.173_174del, p.His58fs (NM_001163813.2, NM_001163814.2, NM_001368275.1); short protein forms H512fs, H58fs.
Identifiers: ClinVar variation 3701768 (VCV003701768.1).
Genomic context (GRCh38, chr10:100,990,485, plus strand): 5'-CCTCTTCCCAGGACTGTAATAGATACAATGCAACATGCAGTCTACGTCTATGACATTTGT[CAT>C]GTGATCATCGACAACCTGCAGTTCATGATGGGTCACGAGCAGCTGTCCACAGACAGGTGA-3'